The following is an entry in ClinVar:

ClinVar aggregate classification (germline): Uncertain significance. Review status: criteria provided, multiple submitters, no conflicts (2 of 4 stars). 2 submissions from 2 submitters: Uncertain significance (2). Last evaluated 2025-06-19.

Conditions:
MAGEL2-related disorder. Also called: MAGEL2-related condition.
Inborn genetic diseases. Identifiers: MedGen C0950123, MeSH D030342.

gnomAD v4.1: 2 of 1,534,004 alleles (0.00013%); highest among the groups gnomAD compares: Middle Eastern, 0.034%; no homozygotes.

Submissions (2):

Ambry Genetics
Classification: Uncertain significance for Inborn genetic diseases. Last evaluated: 2025-06-19. Review status: criteria provided, single submitter. Criteria: Ambry Variant Classification Scheme 2023. Collection method: clinical testing. Allele origin: germline.

PreventionGenetics, part of Exact Sciences
Classification: Uncertain significance for MAGEL2-related condition. Last evaluated: 2025-04-25. Review status: criteria provided, single submitter. Criteria: ACMG Guidelines, 2015. Collection method: clinical testing. Allele origin: germline.
Comment: The MAGEL2 c.470C>A variant is predicted to result in the amino acid substitution p.Thr157Asn. To our knowledge, this variant has not been reported in the literature or in a large population database (gnomAD), indicating this variant is rare. At this time, the clinical significance of this variant is uncertain due to the absence of conclusive functional and genetic evidence.

NM_019066.5(MAGEL2):c.470C>A (p.Thr157Asn)

Gene: MAGEL2 (MAGE family member L2; minus strand). Cytogenetic location: 15q11.2.
Variant type: single nucleotide variant.
Coding change: c.470C>A on transcript NM_019066.5 (MANE Select); coding-DNA position 470, C replaced by A.
Protein change: p.Thr157Asn; replaces threonine 157 with asparagine.
Molecular consequence: missense variant.
Genome position (GRCh38, 1-based): chr15:23,647,273, G>T on the plus strand (C>A on the coding strand, the complement: MAGEL2 is on the minus strand). VCF-style: chr15-23647273-G-T. GRCh37 (hg19) VCF-style: chr15-23892420-G-T.
Other names: short protein forms T157N.
Identifiers: ClinVar variation 4102420 (VCV004102420.2).
Genomic context (GRCh38, chr15:23,647,273, plus strand): 5'-GTCCCCGGAGGAGGAGGATGGGCCATCGGGGTCCCCGGAGGAGGAGGATGGGCCATTGGG[G>T]TCCCCGGAGGGGGAGGGTGGGACATTGGGGTCCCCGGAGGAGGAGGATGGGCCATGGGAG-3'
Protein context (NP_061939.3, residues 147-167): TPMSHPPPPG[Thr157Asn]PMAHPPPPGT